The following is an entry in ClinVar:

NM_001009944.3(PKD1):c.8358G>C (p.Lys2786Asn)

Gene: PKD1 (polycystin 1, transient receptor potential channel interacting; minus strand). Cytogenetic location: 16p13.3.
Variant type: single nucleotide variant.
Coding change: c.8358G>C on transcript NM_001009944.3 (MANE Select); coding-DNA position 8358, G replaced by C.
Protein change: p.Lys2786Asn; replaces lysine 2786 with asparagine.
Molecular consequence: missense variant.
Genome position (GRCh38, 1-based): chr16:2,103,699, C>G on the plus strand (G>C on the coding strand, the complement: PKD1 is on the minus strand). VCF-style: chr16-2103699-C-G. GRCh37 (hg19) VCF-style: chr16-2153700-C-G.
Other names: c.8358G>C, p.Lys2786Asn (NM_000296.4); short protein forms K2786N.
Identifiers: ClinVar variation 4848889 (VCV004848889.1).

ClinVar aggregate classification (germline): Uncertain significance (1 of 4 stars; one submission).

Submission:

Women's Health and Genetics/Laboratory Corporation of America, LabCorp
Classification: Uncertain significance. Last evaluated: 2026-04-28. Review status: criteria provided, single submitter. Criteria: LabCorp Variant Classification Summary - May 2015. Collection method: clinical testing. Allele origin: germline.
Comment: Variant summary: PKD1 c.8358G>C (p.Lys2786Asn) results in a non-conservative amino acid change in the encoded protein sequence. Algorithms developed to predict the effect of missense changes on protein structure and function are either unavailable or do not agree on the potential impact of this missense change. The variant was absent in 243958 control chromosomes (gnomAD). The available data on variant occurrences in the general population are insufficient to allow any conclusion about variant significance. c.8358G>C has been observed in one individual affected with Polycystic Kidney Disease (Heyer_2016). These report does not provide unequivocal conclusions about association of the variant with PKD1-related conditions. To our knowledge, no experimental evidence demonstrating an impact on protein function has been reported. The following publication have been ascertained in the context of this evaluation (PMID: 26823553). No submitters have cited clinical-significance assessments for this variant to ClinVar. Based on the evidence outlined above, the variant was classified as uncertain significance.

Literature cited by the submitters: PubMed 26823553.